The following is an entry in ClinVar:

ClinVar aggregate classification (germline): Likely pathogenic (1 of 4 stars; one submission).

Conditions:
Congenital myasthenic syndrome 8. Also called: Myasthenic syndrome, congenital, 8, with pre- and postsynaptic defects; MYASTHENIC SYNDROME, CONGENITAL, DUE TO AGRIN DEFICIENCY. Identifiers: Orphanet 590, MedGen C3808739, MONDO:0014052, OMIM 615120.

Submission:

Labcorp Genetics (formerly Invitae), Labcorp
Classification: Likely pathogenic for Congenital myasthenic syndrome 8. Last evaluated: 2022-05-24. Review status: criteria provided, single submitter. Criteria: Invitae Variant Classification Sherloc (09022015). Collection method: clinical testing. Allele origin: germline.
Comment: In summary, the currently available evidence indicates that the variant is pathogenic, but additional data are needed to prove that conclusively. Therefore, this variant has been classified as Likely Pathogenic. This sequence change affects a splice site in intron 5 of the AGRN gene. It is expected to disrupt RNA splicing. Variants that disrupt the donor or acceptor splice site typically lead to a loss of protein function (PMID: 16199547), and loss-of-function variants in AGRN are known to be pathogenic (PMID: 24951643). This variant is not present in population databases (gnomAD no frequency). This variant has not been reported in the literature in individuals affected with AGRN-related conditions. Algorithms developed to predict the effect of sequence changes on RNA splicing suggest that this variant may disrupt the consensus splice site.

Literature cited by the submitters: PubMed 16199547; PubMed 24951643.

NM_198576.4(AGRN):c.952+1_952+3del

Gene: AGRN (agrin; plus strand). Cytogenetic location: 1p36.33.
Variant type: Microsatellite.
Coding change: c.952+1_952+3del on transcript NM_198576.4 (MANE Select); the canonical splice donor site of the intron after coding-DNA position 952 through 3 bases into the intron after coding-DNA position 952, 3 bases deleted (GTG; older notation c.952+1_952+3delGTG).
Molecular consequence: splice donor variant.
Genome position (GRCh38, 1-based): chr1:1,041,398-1,041,400, GTG deleted; deleting any 3 consecutive bases within chr1:1,041,395-1,041,400 gives the same sequence; the c. name uses the placement nearest the transcript's 3' end. VCF-style (leftmost placement, unchanged base first): chr1-1041394-TGTG-T. GRCh37 (hg19) VCF-style: chr1-976774-TGTG-T.
Other names: c.952+1_952+3del (NM_001305275.2); c.637+1_637+3del (NM_001364727.2).
Identifiers: ClinVar variation 1944125 (VCV001944125.5), dbSNP rs1644932281, ClinGen allele CA1148752252.